The following is an entry in ClinVar:

ClinVar aggregate classification (germline): Likely pathogenic (1 of 4 stars; one submission).

Submission:

Labcorp Genetics (formerly Invitae), Labcorp
Classification: Likely pathogenic. Last evaluated: 2024-01-03. Review status: criteria provided, single submitter. Criteria: Invitae Variant Classification Sherloc (09022015). Collection method: clinical testing. Allele origin: germline.
Comment: This sequence change affects an acceptor splice site in intron 30 of the PCNT gene. It is expected to disrupt RNA splicing. Variants that disrupt the donor or acceptor splice site typically lead to a loss of protein function (PMID: 16199547), and loss-of-function variants in PCNT are known to be pathogenic (PMID: 18174396, 22821869). This variant is not present in population databases (gnomAD no frequency). This variant has not been reported in the literature in individuals affected with PCNT-related conditions. Algorithms developed to predict the effect of sequence changes on RNA splicing suggest that this variant may disrupt the consensus splice site. In summary, the currently available evidence indicates that the variant is pathogenic, but additional data are needed to prove that conclusively. Therefore, this variant has been classified as Likely Pathogenic.

Literature cited by the submitters: PubMed 16199547; PubMed 18174396; PubMed 22821869.

NM_006031.6(PCNT):c.6922-1G>A

Gene: PCNT (pericentrin; plus strand). Cytogenetic location: 21q22.3.
Variant type: single nucleotide variant.
Coding change: c.6922-1G>A on transcript NM_006031.6 (MANE Select); the canonical splice acceptor site of the intron before coding-DNA position 6922, G replaced by A.
Molecular consequence: splice acceptor variant.
Genome position (GRCh38, 1-based): chr21:46,418,203, G>A. VCF-style: chr21-46418203-G-A. GRCh37 (hg19) VCF-style: chr21-47838117-G-A.
Other names: c.6568-1G>A (NM_001315529.2).
Identifiers: ClinVar variation 2979474 (VCV002979474.3), dbSNP rs1602037634, ClinGen allele CA410566036.